The following is an entry in ClinVar:

NM_001271.4(CHD2):c.674G>A (p.Arg225Lys)

Gene: CHD2 (chromodomain helicase DNA binding protein 2; plus strand). Cytogenetic location: 15q26.1.
Variant type: single nucleotide variant.
Coding change: c.674G>A on transcript NM_001271.4 (MANE Select); coding-DNA position 674, G replaced by A.
Protein change: p.Arg225Lys; replaces arginine 225 with lysine.
Molecular consequence: missense variant.
Genome position (GRCh38, 1-based): chr15:92,939,700, G>A. VCF-style: chr15-92939700-G-A. GRCh37 (hg19) VCF-style: chr15-93482930-G-A.
Other names: c.674G>A, p.Arg225Lys (NM_001042572.3); short protein forms R225K.
Identifiers: ClinVar variation 589966 (VCV000589966.5), dbSNP rs1304008714, ClinGen allele CA393900236.

ClinVar aggregate classification (germline): Uncertain significance (1 of 4 stars; one submission).

Conditions:
Inborn genetic diseases. Identifiers: MedGen C0950123, MeSH D030342.

Allele frequency attached by ClinVar (database versions not stated): gnomAD exomes below 0.00001; TOPMed 0.00001.
gnomAD v4.1: 3 of 1,613,840 alleles (0.00019%); highest among the groups gnomAD compares: African/African-American, 0.0027%; no homozygotes.

Submission:

Ambry Genetics
Classification: Uncertain significance for Inborn genetic diseases. Last evaluated: 2016-11-29. Review status: criteria provided, single submitter. Criteria: Ambry Variant Classification Scheme 2023. Collection method: clinical testing. Allele origin: germline.
Comment: The p.R225K variant (also known as c.674G>A), located in coding exon 6 of the CHD2 gene, results from a G to A substitution at nucleotide position 674. The arginine at codon 225 is replaced by lysine, an amino acid with highly similar properties. This amino acid position is well conserved in available vertebrate species. In addition, the in silico prediction for this alteration is inconclusive. Since supporting evidence is limited at this time, the clinical significance of this variant remains unclear.